The following is an entry in ClinVar:

NM_018127.7(ELAC2):c.183G>T (p.Gln61His)

Gene: ELAC2 (elaC ribonuclease Z 2; minus strand). Cytogenetic location: 17p12.
Variant type: single nucleotide variant.
Coding change: c.183G>T on transcript NM_018127.7 (MANE Select); coding-DNA position 183, G replaced by T.
Protein change: p.Gln61His; replaces glutamine 61 with histidine.
Molecular consequence: missense variant.
Genome position (GRCh38, 1-based): chr17:13,017,765, C>A on the plus strand (G>T on the coding strand, the complement: ELAC2 is on the minus strand). VCF-style: chr17-13017765-C-A. GRCh37 (hg19) VCF-style: chr17-12921082-C-A.
Other names: c.183G>T, p.Gln61His (NM_001165962.2, NM_173717.2); short protein forms Q61H.
Identifiers: ClinVar variation 2138292 (VCV002138292.3), dbSNP rs1003115109, ClinGen allele CA398219004.

ClinVar aggregate classification (germline): Uncertain significance (1 of 4 stars; one submission).

Conditions:
Combined oxidative phosphorylation defect type 17. Also called: Combined oxidative phosphorylation deficiency 17. Identifiers: Orphanet 369913, MedGen C3809526, MONDO:0014190, OMIM 615440.

Submission:

Labcorp Genetics (formerly Invitae), Labcorp
Classification: Uncertain significance for Combined oxidative phosphorylation defect type 17. Last evaluated: 2022-07-22. Review status: criteria provided, single submitter. Criteria: Invitae Variant Classification Sherloc (09022015). Collection method: clinical testing. Allele origin: germline.
Comment: This variant has not been reported in the literature in individuals affected with ELAC2-related conditions. This variant is not present in population databases (gnomAD no frequency). This sequence change replaces glutamine, which is neutral and polar, with histidine, which is basic and polar, at codon 61 of the ELAC2 protein (p.Gln61His). Algorithms developed to predict the effect of missense changes on protein structure and function are either unavailable or do not agree on the potential impact of this missense change (SIFT: "Deleterious"; PolyPhen-2: "Probably Damaging"; Align-GVGD: "Class C0"). In summary, the available evidence is currently insufficient to determine the role of this variant in disease. Therefore, it has been classified as a Variant of Uncertain Significance. Algorithms developed to predict the effect of sequence changes on RNA splicing suggest that this variant may disrupt the consensus splice site.